The following is an entry in ClinVar:

NM_024675.4(PALB2):c.1699C>A (p.His567Asn)

Gene: PALB2 (partner and localizer of BRCA2; minus strand). Cytogenetic location: 16p12.2.
Variant type: single nucleotide variant.
Coding change: c.1699C>A on transcript NM_024675.4 (MANE Select); coding-DNA position 1699, C replaced by A.
Protein change: p.His567Asn; replaces histidine 567 with asparagine.
Molecular consequence: missense variant.
Genome position (GRCh38, 1-based): chr16:23,630,455, G>T on the plus strand (C>A on the coding strand, the complement: PALB2 is on the minus strand). VCF-style: chr16-23630455-G-T. GRCh37 (hg19) VCF-style: chr16-23641776-G-T.
Other names: short protein forms H567N.
Identifiers: ClinVar variation 819803 (VCV000819803.15), dbSNP rs370422990, ClinGen allele CA395128452.

ClinVar aggregate classification (germline): Uncertain significance. Review status: criteria provided, multiple submitters, no conflicts (2 of 4 stars). 2 submissions from 2 submitters: Uncertain significance (2). Last evaluated 2024-01-14.

Conditions:
Familial cancer of breast. Also called: BREAST CANCER, FAMILIAL; Hereditary breast cancer; hereditary breast carcinoma. Identifiers: Orphanet 227535, MedGen C0346153, MONDO:0016419, OMIM 114480. Disease mechanism: loss of function.
Hereditary cancer-predisposing syndrome. Also called: Neoplastic Syndromes, Hereditary; Tumor predisposition; Hereditary Cancer Syndrome; Hereditary neoplastic syndrome. Identifiers: Orphanet 140162, MedGen C0027672, MeSH D009386, MONDO:0015356.

gnomAD v4.1: 2 of 1,612,308 alleles (0.00012%); highest among the groups gnomAD compares: Non-Finnish European, 0.00017%; no homozygotes.

Submissions (2):

Ambry Genetics
Classification: Uncertain significance for Hereditary cancer-predisposing syndrome. Last evaluated: 2024-01-14. Review status: criteria provided, single submitter. Criteria: Ambry Variant Classification Scheme 2023. Collection method: clinical testing. Allele origin: germline.
Comment: The p.H567N variant (also known as c.1699C>A), located in coding exon 5 of the PALB2 gene, results from a C to A substitution at nucleotide position 1699. The histidine at codon 567 is replaced by asparagine, an amino acid with similar properties. This amino acid position is poorly conserved in available vertebrate species. In addition, this alteration is predicted to be tolerated by in silico analysis. Since supporting evidence is limited at this time, the clinical significance of this alteration remains unclear.

Labcorp Genetics (formerly Invitae), Labcorp
Classification: Uncertain significance for Familial cancer of breast. Last evaluated: 2019-04-04. Review status: criteria provided, single submitter. Criteria: Invitae Variant Classification Sherloc (09022015). Collection method: clinical testing. Allele origin: germline.
Comment: Algorithms developed to predict the effect of missense changes on protein structure and function (SIFT, PolyPhen-2, Align-GVGD) all suggest that this variant is likely to be tolerated, but these predictions have not been confirmed by published functional studies and their clinical significance is uncertain. In summary, the available evidence is currently insufficient to determine the role of this variant in disease. Therefore, it has been classified as a Variant of Uncertain Significance. This variant has not been reported in the literature in individuals with PALB2-related conditions. This variant is not present in population databases (ExAC no frequency). This sequence change replaces histidine with asparagine at codon 567 of the PALB2 protein (p.His567Asn). The histidine residue is weakly conserved and there is a small physicochemical difference between histidine and asparagine.